The following is an entry in ClinVar:

NM_001723.7(DST):c.3388G>A (p.Val1130Met)

Gene: DST (dystonin; minus strand). Cytogenetic location: 6p12.1.
Variant type: single nucleotide variant.
Coding change: c.3388G>A on transcript NM_001723.7 (MANE Plus Clinical); coding-DNA position 3388, G replaced by A.
Protein change: p.Val1130Met; replaces valine 1130 with methionine.
Molecular consequence: missense variant. On other transcripts: intron variant (10).
Genome position (GRCh38, 1-based): chr6:56,620,646, C>T on the plus strand (G>A on the coding strand, the complement: DST is on the minus strand). VCF-style: chr6-56620646-C-T. GRCh37 (hg19) VCF-style: chr6-56485444-C-T.
Other names: c.4830+3884G>A (NM_001144769.5); c.4929+3884G>A (NM_001374722.1, NM_001374736.1); c.4956+3884G>A (NM_001374734.1); c.4416+3884G>A (NM_001144770.2); c.4296+3884G>A (NM_001374730.1, NM_001386100.1, NM_183380.4 and 1 more transcripts); c.3318+3884G>A (NM_015548.5); short protein forms V1130M.
Identifiers: ClinVar variation 581403 (VCV000581403.6), dbSNP rs757715794, ClinGen allele CA3870721.

ClinVar aggregate classification (germline): Uncertain significance (1 of 4 stars; one submission).

Conditions:
Epidermolysis bullosa simplex 3, localized or generalized intermediate, with BP230 deficiency (EBS3). Also called: Epidermolysis bullosa simplex, autosomal recessive 2; Epidermolysis bullosa simplex due to BP230 deficiency. Identifiers: Orphanet 412181, MedGen C3809470, MONDO:0014180, OMIM 615425.
Hereditary sensory and autonomic neuropathy type 6. Also called: HSAN VI; Neuropathy, hereditary sensory and autonomic, type VI. Identifiers: Orphanet 314381, MedGen C3539003, MONDO:0013839, OMIM 614653.

Allele frequency attached by ClinVar (database versions not stated): TOPMed below 0.00001; gnomAD 0.00001; ExAC 0.00002; gnomAD exomes 0.00002.
gnomAD v4.1: 25 of 1,614,172 alleles (0.0015%); highest among the groups gnomAD compares: Non-Finnish European, 0.002%; no homozygotes.

Submission:

Labcorp Genetics (formerly Invitae), Labcorp
Classification: Uncertain significance for Epidermolysis bullosa simplex 3, localized or generalized intermediate, with BP230 deficiency; Hereditary sensory and autonomic neuropathy type 6. Last evaluated: 2021-08-26. Review status: criteria provided, single submitter. Criteria: Invitae Variant Classification Sherloc (09022015). Collection method: clinical testing. Allele origin: germline.
Comment: This sequence change replaces valine with methionine at codon 1130 of the DST protein (p.Val1130Met). The valine residue is weakly conserved and there is a small physicochemical difference between valine and methionine. This variant is present in population databases (rs757715794, ExAC 0.003%). This variant has not been reported in the literature in individuals affected with DST-related conditions. Algorithms developed to predict the effect of missense changes on protein structure and function are either unavailable or do not agree on the potential impact of this missense change (SIFT: "Deleterious"; PolyPhen-2: "Benign"; Align-GVGD: "Class C0"). In summary, the available evidence is currently insufficient to determine the role of this variant in disease. Therefore, it has been classified as a Variant of Uncertain Significance.